The following is an entry in ClinVar:

NM_000518.5(HBB):c.224_225insTCCAG (p.Leu76fs)

Genes: HBB (hemoglobin subunit beta; minus strand), LOC106099062 (HBB recombination region; plus strand), LOC107133510 (origin of replication at HBB; plus strand). Cytogenetic location: 11p15.4.
Variant type: Insertion.
Coding change: c.224_225insTCCAG on transcript NM_000518.5 (MANE Select); coding-DNA positions 224 to 225, TCCAG inserted.
Protein change: p.Leu76fs; shifts the reading frame from leucine 76.
Molecular consequence: frameshift variant.
Genome position: GRCh38 VCF-style: chr11-5226667-G-GCTGGA. GRCh37 (hg19) VCF-style: chr11-5247897-G-GCTGGA.
Other names: short protein forms L76fs.
Identifiers: ClinVar variation 993070 (VCV000993070.1), dbSNP rs1847556466, ClinGen allele CA1139661796.

ClinVar aggregate classification (germline): Likely pathogenic (1 of 4 stars; one submission).

Submission:

Quest Diagnostics Nichols Institute San Juan Capistrano
Classification: Likely pathogenic. Last evaluated: 2019-12-09. Review status: criteria provided, single submitter. Criteria: Quest Diagnostics criteria. Collection method: clinical testing. Allele origin: unknown.
Comment: The variant results in a shift of the reading frame, and is therefore predicted to result in the loss of a functional protein. Not found in the total gnomAD dataset, and the data is high quality.